The following is an entry in ClinVar:

NM_173630.4(RTTN):c.878A>T (p.His293Leu)

Gene: RTTN (rotatin; minus strand). Cytogenetic location: 18q22.2.
Variant type: single nucleotide variant.
Coding change: c.878A>T on transcript NM_173630.4 (MANE Select); coding-DNA position 878, A replaced by T.
Protein change: p.His293Leu; replaces histidine 293 with leucine.
Molecular consequence: missense variant. On other transcripts: 5 prime UTR variant (1).
Genome position (GRCh38, 1-based): chr18:70,193,417, T>A on the plus strand (A>T on the coding strand, the complement: RTTN is on the minus strand). VCF-style: chr18-70193417-T-A. GRCh37 (hg19) VCF-style: chr18-67860653-T-A.
Other names: c.-1676A>T (NM_001318520.2); short protein forms H293L.
Identifiers: ClinVar variation 4740904 (VCV004740904.1).

ClinVar aggregate classification (germline): Uncertain significance (1 of 4 stars; one submission).

gnomAD v4.1: 3 of 1,578,972 alleles (0.00019%); highest among the groups gnomAD compares: African/African-American, 0.0014%; no homozygotes.

Submission:

Labcorp Genetics (formerly Invitae), Labcorp
Classification: Uncertain significance. Last evaluated: 2025-08-12. Review status: criteria provided, single submitter. Criteria: Invitae Variant Classification Sherloc (09022015). Collection method: clinical testing. Allele origin: germline.
Comment: This sequence change replaces histidine, which is basic and polar, with leucine, which is neutral and non-polar, at codon 293 of the RTTN protein (p.His293Leu). This variant is present in population databases (no rsID available, gnomAD 0.001%). This variant has not been reported in the literature in individuals affected with RTTN-related conditions. Invitae Evidence Modeling of protein sequence and biophysical properties (such as structural, functional, and spatial information, amino acid conservation, physicochemical variation, residue mobility, and thermodynamic stability) indicates that this missense variant is not expected to disrupt RTTN protein function with a negative predictive value of 80%. In summary, the available evidence is currently insufficient to determine the role of this variant in disease. Therefore, it has been classified as a Variant of Uncertain Significance.